The following is an entry in ClinVar:

NM_006842.3(SF3B2):c.1066C>T (p.Arg356Trp)

Gene: SF3B2 (splicing factor 3b subunit 2; plus strand). Cytogenetic location: 11q13.1.
Variant type: single nucleotide variant.
Coding change: c.1066C>T on transcript NM_006842.3 (MANE Select); coding-DNA position 1066, C replaced by T.
Protein change: p.Arg356Trp; replaces arginine 356 with tryptophan.
Molecular consequence: missense variant.
Genome position (GRCh38, 1-based): chr11:66,058,929, C>T. VCF-style: chr11-66058929-C-T. GRCh37 (hg19) VCF-style: chr11-65826400-C-T.
Other names: short protein forms R356W.
Identifiers: ClinVar variation 4163433 (VCV004163433.2).

ClinVar aggregate classification (germline): Conflicting classifications of pathogenicity. Review status: criteria provided, conflicting classifications (1 of 4 stars). 2 submissions from 2 submitters: Uncertain significance (1); Likely benign (1). Last evaluated 2026-08-01.

Conditions:
Inborn genetic diseases. Identifiers: MedGen C0950123, MeSH D030342.

gnomAD v4.1: 30 of 1,613,972 alleles (0.0019%); highest among the groups gnomAD compares: East Asian, 0.0045%; no homozygotes.

Submissions (2):

CeGaT Center for Human Genetics Tuebingen
Classification: Likely benign. Last evaluated: 2026-08-01. Review status: criteria provided, single submitter. Criteria: CeGaT Center For Human Genetics Tuebingen Variant Classification Criteria Version 2. Collection method: clinical testing. Allele origin: germline. Affected: yes. Observed: 1 variant allele.
Comment: SF3B2: BP4, BS2

Ambry Genetics
Classification: Uncertain significance for Inborn genetic diseases. Last evaluated: 2025-08-05. Review status: criteria provided, single submitter. Criteria: Ambry Variant Classification Scheme 2023. Collection method: clinical testing. Allele origin: germline.